The following is an entry in ClinVar:

NM_004655.4(AXIN2):c.64C>G (p.Pro22Ala)

Gene: AXIN2 (axin 2; minus strand). Cytogenetic location: 17q24.1.
Variant type: single nucleotide variant.
Coding change: c.64C>G on transcript NM_004655.4 (MANE Select); coding-DNA position 64, C replaced by G.
Protein change: p.Pro22Ala; replaces proline 22 with alanine.
Molecular consequence: missense variant.
Genome position (GRCh38, 1-based): chr17:65,558,557, G>C on the plus strand (C>G on the coding strand, the complement: AXIN2 is on the minus strand). VCF-style: chr17-65558557-G-C. GRCh37 (hg19) VCF-style: chr17-63554675-G-C.
Other names: c.64C>G, p.Pro22Ala (NM_001363813.1); short protein forms P22A.
Identifiers: ClinVar variation 4867314 (VCV004867314.1).
Genomic context (GRCh38, chr17:65,558,557, plus strand): 5'-TGCCCACCCCTGGCTGACACGGTGGGGTCTCCCCTTCTTCCCCTGGCACTGGGGGCCGCG[G>C]GGCATCCTCACGGAAGCTGCTGCTGGGGTCCGGGAGGCAAGTCACCAACATAGCGCTACT-3'
Protein context (NP_004646.3, residues 12-32): DPSSSFREDA[Pro22Ala]RPPVPGEEGE

ClinVar aggregate classification (germline): Uncertain significance (1 of 4 stars; one submission).

Conditions:
Hereditary cancer-predisposing syndrome. Also called: Neoplastic Syndromes, Hereditary; Tumor predisposition; Hereditary Cancer Syndrome; Hereditary neoplastic syndrome. Identifiers: Orphanet 140162, MedGen C0027672, MeSH D009386, MONDO:0015356.

Submission:

Ambry Genetics
Classification: Uncertain significance for Hereditary cancer-predisposing syndrome. Last evaluated: 2026-05-19. Review status: criteria provided, single submitter. Criteria: Ambry Variant Classification Scheme 2023. Collection method: clinical testing. Allele origin: germline.
Comment: The p.P22A variant (also known as c.64C>G), located in coding exon 1 of the AXIN2 gene, results from a C to G substitution at nucleotide position 64. The proline at codon 22 is replaced by alanine, an amino acid with highly similar properties. This amino acid position is conserved. In addition, the in silico prediction for this alteration is inconclusive. Based on the available evidence, the clinical significance of this variant remains unclear.